The following is an entry in ClinVar:

ClinVar aggregate classification (germline): Uncertain significance (1 of 4 stars; one submission).

Allele frequency attached by ClinVar (database versions not stated): ExAC 0.00001; gnomAD 0.00001; gnomAD exomes 0.00001.

Submission:

Labcorp Genetics (formerly Invitae), Labcorp
Classification: Uncertain significance. Last evaluated: 2023-05-22. Review status: criteria provided, single submitter. Criteria: Invitae Variant Classification Sherloc (09022015). Collection method: clinical testing. Allele origin: germline.
Comment: In summary, the available evidence is currently insufficient to determine the role of this variant in disease. Therefore, it has been classified as a Variant of Uncertain Significance. Variants that disrupt the consensus splice site are a relatively common cause of aberrant splicing (PMID: 17576681, 9536098). Algorithms developed to predict the effect of sequence changes on RNA splicing suggest that this variant is not likely to affect RNA splicing. ClinVar contains an entry for this variant (Variation ID: 1501851). This variant has not been reported in the literature in individuals affected with CDC6-related conditions. The frequency data for this variant in the population databases is considered unreliable, as metrics indicate poor data quality at this position in the gnomAD database. This sequence change falls in intron 2 of the CDC6 gene. It does not directly change the encoded amino acid sequence of the CDC6 protein. It affects a nucleotide within the consensus splice site.

Literature cited by the submitters: PubMed 17576681; PubMed 9536098.

NM_001254.4(CDC6):c.179-3C>T

Gene: CDC6 (cell division cycle 6; plus strand). Cytogenetic location: 17q21.2.
Variant type: single nucleotide variant.
Coding change: c.179-3C>T on transcript NM_001254.4 (MANE Select); 3 bases into the intron before coding-DNA position 179, C replaced by T.
Molecular consequence: intron variant.
Genome position (GRCh38, 1-based): chr17:40,291,055, C>T. VCF-style: chr17-40291055-C-T. GRCh37 (hg19) VCF-style: chr17-38447307-C-T.
Identifiers: ClinVar variation 1501851 (VCV001501851.6), dbSNP rs377510296, ClinGen allele CA8541834.